The following is an entry in ClinVar:

NM_005534.4(IFNGR2):c.616A>G (p.Arg206Gly)

Gene: IFNGR2 (interferon gamma receptor 2; plus strand). Cytogenetic location: 21q22.11.
Variant type: single nucleotide variant.
Coding change: c.616A>G on transcript NM_005534.4 (MANE Select); coding-DNA position 616, A replaced by G.
Protein change: p.Arg206Gly; replaces arginine 206 with glycine.
Molecular consequence: missense variant.
Genome position (GRCh38, 1-based): chr21:33,432,231, A>G. VCF-style: chr21-33432231-A-G. GRCh37 (hg19) VCF-style: chr21-34804538-A-G.
Other names: c.673A>G, p.Arg225Gly (NM_001329128.2); short protein forms R206G, R225G.
Identifiers: ClinVar variation 566491 (VCV000566491.9), dbSNP rs147894635, ClinGen allele CA10006985.

ClinVar aggregate classification (germline): Uncertain significance. Review status: criteria provided, multiple submitters, no conflicts (2 of 4 stars). 2 submissions from 2 submitters: Uncertain significance (2). Last evaluated 2024-08-12.

Conditions:
Inborn genetic diseases. Identifiers: MedGen C0950123, MeSH D030342.
Immunodeficiency 28 (IMD28). Also called: IFNGR2 DEFICIENCY. Identifiers: Orphanet 319547, Orphanet 319574, MedGen C4013947, MONDO:0013953, OMIM 614889.

Allele frequency attached by ClinVar (database versions not stated): gnomAD 0.00008 and 0.00009; gnomAD exomes 0.00008 and 0.00013; TOPMed 0.00009; ExAC 0.00010; ESP Exome Variant Server 0.00031.
gnomAD v4.1: 222 of 1,613,958 alleles (0.014%); highest among the groups gnomAD compares: Non-Finnish European, 0.017%; no homozygotes.

Submissions (2):

Ambry Genetics
Classification: Uncertain significance for Inborn genetic diseases. Last evaluated: 2024-08-12. Review status: criteria provided, single submitter. Criteria: Ambry Variant Classification Scheme 2023. Collection method: clinical testing. Allele origin: germline.

Labcorp Genetics (formerly Invitae), Labcorp
Classification: Uncertain significance for Immunodeficiency 28. Last evaluated: 2022-07-04. Review status: criteria provided, single submitter. Criteria: Invitae Variant Classification Sherloc (09022015). Collection method: clinical testing. Allele origin: germline.
Comment: This sequence change replaces arginine, which is basic and polar, with glycine, which is neutral and non-polar, at codon 206 of the IFNGR2 protein (p.Arg206Gly). This variant is present in population databases (rs147894635, gnomAD 0.02%). This variant has not been reported in the literature in individuals affected with IFNGR2-related conditions. ClinVar contains an entry for this variant (Variation ID: 566491). Algorithms developed to predict the effect of missense changes on protein structure and function (SIFT, PolyPhen-2, Align-GVGD) all suggest that this variant is likely to be tolerated. Algorithms developed to predict the effect of sequence changes on RNA splicing suggest that this variant may create or strengthen a splice site. In summary, the available evidence is currently insufficient to determine the role of this variant in disease. Therefore, it has been classified as a Variant of Uncertain Significance.